The following is an entry in ClinVar:

ClinVar aggregate classification (germline): Uncertain significance (1 of 4 stars; one submission).

Conditions:
Hereditary cancer-predisposing syndrome. Also called: Hereditary Cancer Syndrome; Neoplastic Syndromes, Hereditary; Tumor predisposition; Hereditary neoplastic syndrome. Identifiers: Orphanet 140162, MedGen C0027672, MeSH D009386, MONDO:0015356.

Submission:

Ambry Genetics
Classification: Uncertain significance for Hereditary cancer-predisposing syndrome. Last evaluated: 2022-09-01. Review status: criteria provided, single submitter. Criteria: Ambry Variant Classification Scheme 2023. Collection method: clinical testing. Allele origin: germline.
Comment: The p.K1796R variant (also known as c.5387A>G), located in coding exon 40 of the POLE gene, results from an A to G substitution at nucleotide position 5387. The lysine at codon 1796 is replaced by arginine, an amino acid with highly similar properties. This amino acid position is conserved. In addition, this alteration is predicted to be tolerated by in silico analysis. Since supporting evidence is limited at this time, the clinical significance of this alteration remains unclear.

NM_006231.4(POLE):c.5387A>G (p.Lys1796Arg)

Gene: POLE (DNA polymerase epsilon, catalytic subunit; minus strand). Cytogenetic location: 12q24.33.
Variant type: single nucleotide variant.
Coding change: c.5387A>G on transcript NM_006231.4 (MANE Select); coding-DNA position 5387, A replaced by G.
Protein change: p.Lys1796Arg; replaces lysine 1796 with arginine.
Molecular consequence: missense variant.
Genome position (GRCh38, 1-based): chr12:132,639,290, T>C on the plus strand (A>G on the coding strand, the complement: POLE is on the minus strand). VCF-style: chr12-132639290-T-C. GRCh37 (hg19) VCF-style: chr12-133215876-T-C.
Other names: short protein forms K1796R.
Identifiers: ClinVar variation 1747196 (VCV001747196.2), dbSNP rs2138511399, ClinGen allele CA387375141.